The following is an entry in ClinVar:

NM_078470.6(COX15):c.73G>T (p.Ala25Ser)

Genes: COX15 (cytochrome c oxidase assembly factor COX15; minus strand), LOC130004506 (ATAC-STARR-seq lymphoblastoid active region 3872; plus strand). Cytogenetic location: 10q24.2.
Variant type: single nucleotide variant.
Coding change: c.73G>T on transcript NM_078470.6 (MANE Select); coding-DNA position 73, G replaced by T.
Protein change: p.Ala25Ser; replaces alanine 25 with serine.
Molecular consequence: missense variant. On other transcripts: 5 prime UTR variant (1), non-coding transcript variant (1).
Genome position (GRCh38, 1-based): chr10:99,731,977, C>A on the plus strand (G>T on the coding strand, the complement: COX15 is on the minus strand). VCF-style: chr10-99731977-C-A. GRCh37 (hg19) VCF-style: chr10-101491734-C-A.
Other names: c.73G>T, p.Ala25Ser (NM_001320974.2, NM_001320975.2, NM_001372024.1 and 5 more transcripts); c.-382G>T (NM_001320976.2); short protein forms A25S.
Identifiers: ClinVar variation 1986457 (VCV001986457.4), dbSNP rs747288608, ClinGen allele CA5642383.

ClinVar aggregate classification (germline): Conflicting classifications of pathogenicity. Review status: criteria provided, conflicting classifications (1 of 4 stars). 3 submissions from 3 submitters: Uncertain significance (2); Likely benign (1). Last evaluated 2025-01-01.

Conditions:
Inborn genetic diseases. Identifiers: MedGen C0950123, MeSH D030342.

Allele frequency attached by ClinVar (database versions not stated): TOPMed 0.00001; gnomAD exomes 0.00008; ExAC 0.00037.
gnomAD v4.1: 128 of 1,611,810 alleles (0.0079%); highest among the groups gnomAD compares: Non-Finnish European, 0.009%; 2 homozygotes.

Submissions (3):

Ambry Genetics
Classification: Uncertain significance for Inborn genetic diseases. Last evaluated: 2025-01-01. Review status: criteria provided, single submitter. Criteria: Ambry Variant Classification Scheme 2023. Collection method: clinical testing. Allele origin: germline.

Blueprint Genetics
Classification: Likely benign. Last evaluated: 2024-11-23. Review status: criteria provided, single submitter. Criteria: ACMG Guidelines, 2015. Collection method: clinical testing. Allele origin: germline.

Labcorp Genetics (formerly Invitae), Labcorp
Classification: Uncertain significance. Last evaluated: 2022-03-05. Review status: criteria provided, single submitter. Criteria: Invitae Variant Classification Sherloc (09022015). Collection method: clinical testing. Allele origin: germline.
Comment: This sequence change replaces alanine, which is neutral and non-polar, with serine, which is neutral and polar, at codon 25 of the COX15 protein (p.Ala25Ser). This variant is present in population databases (rs747288608, gnomAD 0.03%). This variant has not been reported in the literature in individuals affected with COX15-related conditions. Algorithms developed to predict the effect of missense changes on protein structure and function are either unavailable or do not agree on the potential impact of this missense change (SIFT: "Not Available"; PolyPhen-2: "Benign"; Align-GVGD: "Not Available"). Algorithms developed to predict the effect of sequence changes on RNA splicing suggest that this variant may create or strengthen a splice site. In summary, the available evidence is currently insufficient to determine the role of this variant in disease. Therefore, it has been classified as a Variant of Uncertain Significance.